The following is an entry in ClinVar:

ClinVar aggregate classification (germline): Conflicting classifications of pathogenicity. Review status: criteria provided, conflicting classifications (1 of 4 stars). 4 submissions from 4 submitters: Uncertain significance (3); Likely benign (1). Last evaluated 2026-01-25.

Conditions:
NBAS-related disorder. Also called: NBAS-related condition.
Infantile liver failure syndrome 2 (ILFS2). Identifiers: MedGen C3809651, MONDO:0014659, OMIM 616483.
Inborn genetic diseases. Identifiers: MedGen C0950123, MeSH D030342.

Allele frequency attached by ClinVar (database versions not stated): gnomAD exomes 0.00029; ESP Exome Variant Server 0.00031; gnomAD 0.00033; ExAC 0.00035; TOPMed 0.00038; 1000 Genomes Project 0.00040; 1000 Genomes Project 30x 0.00047.
gnomAD v4.1: 778 of 1,614,012 alleles (0.048%); highest among the groups gnomAD compares: Non-Finnish European, 0.057%; no homozygotes.

Submissions (4):

Labcorp Genetics (formerly Invitae), Labcorp
Classification: Likely benign. Last evaluated: 2026-01-25. Review status: criteria provided, single submitter. Criteria: Invitae Variant Classification Sherloc (09022015). Collection method: clinical testing. Allele origin: germline.

PreventionGenetics, part of Exact Sciences
Classification: Uncertain significance for NBAS-related condition. Last evaluated: 2024-10-29. Review status: criteria provided, single submitter. Criteria: ACMG Guidelines, 2015. Collection method: clinical testing. Allele origin: germline.
Comment: The NBAS c.3502G>A variant is predicted to result in the amino acid substitution p.Glu1168Lys. To our knowledge, this variant has not been reported in the literature. This variant is reported in 0.056% of alleles in individuals of Latino descent in gnomAD, which is likely too common for an undocumented disease-causing variant. Although we suspect that this variant may be benign, at this time, the clinical significance of this variant is uncertain due to the absence of conclusive functional and genetic evidence.

Ambry Genetics
Classification: Uncertain significance for Inborn genetic diseases. Last evaluated: 2021-08-04. Review status: criteria provided, single submitter. Criteria: Ambry Variant Classification Scheme 2023. Collection method: clinical testing. Allele origin: germline.

Victorian Clinical Genetics Services, Murdoch Childrens Research Institute
Classification: Uncertain significance for Infantile liver failure syndrome 2. Last evaluated: 2019-08-28. Review status: criteria provided, single submitter. Criteria: ACMG Guidelines, 2015. Collection method: clinical testing. Allele origin: germline. Inheritance: Autosomal recessive inheritance. Affected: yes.
Comment: A heterozygous missense variant was identified, NM_015909.3(NBAS):c.3502G>A in exon 30 of 52 of the NBAS gene. This substitution is predicted to create a minor amino acid change from glutamic acid to lysine at position 1168 of the protein, NP_056993.2(NBAS):p.(Glu1168Lys). The glutamic acid at this position has low conservation (100 vertebrates, UCSC), but is located within the Sec39 functional domain. In silico software predicts this variant to be benign (PolyPhen, SIFT, CADD, MutationTaster). The variant is present in the gnomAD population database at a frequency of 0.03% (89 heterozygotes; 0 homozygotes). The variant has not previously been reported in clinical cases. Based on information available at the time of curation, this variant has been classified as a VARIANT of UNCERTAIN SIGNIFICANCE (VUS) with LOW CLINICAL RELEVANCE.

NM_015909.4(NBAS):c.3502G>A (p.Glu1168Lys)

Gene: NBAS (NBAS subunit of NRZ tethering complex; minus strand). Cytogenetic location: 2p24.3.
Variant type: single nucleotide variant.
Coding change: c.3502G>A on transcript NM_015909.4 (MANE Select); coding-DNA position 3502, G replaced by A.
Protein change: p.Glu1168Lys; replaces glutamic acid 1168 with lysine.
Molecular consequence: missense variant. On other transcripts: non-coding transcript variant (1).
Genome position (GRCh38, 1-based): chr2:15,379,690, C>T on the plus strand (G>A on the coding strand, the complement: NBAS is on the minus strand). VCF-style: chr2-15379690-C-T. GRCh37 (hg19) VCF-style: chr2-15519814-C-T.
Other names: c.3502G>A (NM_015909.2); short protein forms E1168K.
Identifiers: ClinVar variation 1060457 (VCV001060457.10), dbSNP rs140855946, ClinGen allele CA1536011.